The following is an entry in ClinVar:

NM_001197104.2(KMT2A):c.2318del (p.Pro773fs)

Gene: KMT2A (lysine methyltransferase 2A; plus strand). Cytogenetic location: 11q23.3.
Variant type: Deletion.
Coding change: c.2318del on transcript NM_001197104.2 (MANE Select); coding-DNA position 2318, one base deleted (C; older notation c.2318delC).
Protein change: p.Pro773fs; shifts the reading frame from proline 773.
Molecular consequence: frameshift variant.
Genome position (GRCh38, 1-based): chr11:118,473,477, C deleted; the last of 7 consecutive C bases (chr11:118,473,471-118,473,477); deleting any one gives the same sequence. VCF-style (leftmost placement, unchanged base first): chr11-118473470-AC-A. GRCh37 (hg19) VCF-style: chr11-118344185-AC-A.
Other names: c.2318del, p.Pro773fs (NM_005933.4); c.2318delC (NM_001197104.1); short protein forms P773fs.
Identifiers: ClinVar variation 522154 (VCV000522154.11), dbSNP rs782297546, ClinGen allele CA477358062.
Genomic context (GRCh38, chr11:118,473,470, plus strand): 5'-CCTTCTCACTCCATGAGGACAAGAAGTGGAAGGCTTAGTAGTTCTGAGCTCTCACCTCTC[AC>A]CCCCCCGTCTTCTGTCTCTTCCTCGTTAAGCATTTCTGTTAGTCCTCTTGCCACTAGTGC-3'

ClinVar aggregate classification (germline): Pathogenic. Review status: criteria provided, multiple submitters, no conflicts (2 of 4 stars). 5 submissions from 5 submitters: Pathogenic (4). 1 of the submissions does not count toward it. Last evaluated 2025-04-15.

Conditions:
Inborn genetic diseases. Identifiers: MedGen C0950123, MeSH D030342.
Wiedemann-Steiner syndrome (WDSTS). Also called: Growth deficiency and mental retardation with facial dysmorphism. Identifiers: Orphanet 319182, MedGen C1854630, MONDO:0011518, OMIM 605130.

Submissions (5):

3billion
Classification: Pathogenic for Wiedemann-Steiner syndrome. Last evaluated: 2025-04-15. Review status: criteria provided, single submitter. Criteria: ACMG Guidelines, 2015. Collection method: clinical testing. Allele origin: germline. Affected: yes.
Comment: The variant is not observed in the gnomAD v4.1.0 dataset. Predicted Consequence/Location: Frameshift: predicted to result in a loss or disruption of normal protein function through nonsense-mediated decay (NMD) or protein truncation. Multiple pathogenic variants are reported downstream of the variant. The variant has been previously reported as de novo in a similarly affected individual (PMID: 29453417). The variant has been reported at least twice as pathogenic without evidence for the classification (ClinVar ID: VCV000522154 / PMID: 29453417 / 3billion dataset). Therefore, this variant is classified as Pathogenic according to the recommendation of ACMG/AMP guideline.

Laboratoire Génétique Moléculaire, CHRU TOURS
Classification: Pathogenic for Wiedemann-Steiner syndrome. Last evaluated: 2024-09-19. Review status: criteria provided, single submitter. Criteria: ACMG Guidelines, 2015. Collection method: clinical testing. Allele origin: unknown. Affected: yes.
Comment: PVS1;PM2;PP4

Labcorp Genetics (formerly Invitae), Labcorp
Classification: Pathogenic. Last evaluated: 2023-12-22. Review status: criteria provided, single submitter. Criteria: Invitae Variant Classification Sherloc (09022015). Collection method: clinical testing. Allele origin: germline.
Comment: This sequence change creates a premature translational stop signal (p.Pro773Argfs*8) in the KMT2A gene. It is expected to result in an absent or disrupted protein product. Loss-of-function variants in KMT2A are known to be pathogenic (PMID: 22795537, 25810209, 29574747). This variant is not present in population databases (gnomAD no frequency). This premature translational stop signal has been observed in individual(s) with Wiedemann-Steiner syndrome (PMID: 29453417). In at least one individual the variant was observed to be de novo. ClinVar contains an entry for this variant (Variation ID: 522154). For these reasons, this variant has been classified as Pathogenic.

Ambry Genetics
Classification: Pathogenic for Inborn genetic diseases. Last evaluated: 2017-10-30. Review status: criteria provided, single submitter. Criteria: Ambry exome assertion method (8-5-2015). Collection method: clinical testing. Allele origin: germline. Affected: yes. Observed: 1 variant allele.

Clinical Genetics Laboratory, University Hospital Schleswig-Holstein
Classification: Pathogenic for Wiedemann-Steiner syndrome. Last evaluated: 2024-05-29. Review status: no assertion criteria provided. Collection method: clinical testing. Allele origin: de novo. Affected: yes. Not counted in ClinVar's aggregate classification.

Literature cited by the submitters: PubMed 29453417 (cited by 3billion and Labcorp Genetics (formerly Invitae), Labcorp); PubMed 22795537 (cited by Labcorp Genetics (formerly Invitae), Labcorp); PubMed 25810209 (cited by Labcorp Genetics (formerly Invitae), Labcorp); PubMed 29574747 (cited by Labcorp Genetics (formerly Invitae), Labcorp).